The following is an entry in ClinVar:

NM_001387430.1(SH2B1):c.2026G>A (p.Glu676Lys)

Gene: SH2B1 (SH2B adaptor protein 1; plus strand). Cytogenetic location: 16p11.2.
Variant type: single nucleotide variant.
Coding change: c.2026G>A on transcript NM_001387430.1 (MANE Select); coding-DNA position 2026, G replaced by A.
Protein change: p.Glu676Lys; replaces glutamic acid 676 with lysine.
Molecular consequence: missense variant. On other transcripts: 3 prime UTR variant (5).
Genome position (GRCh38, 1-based): chr16:28,873,575, G>A. VCF-style: chr16-28873575-G-A. GRCh37 (hg19) VCF-style: chr16-28884896-G-A.
Other names: c.2026G>A, p.Glu676Lys (NM_001145795.2, NM_001308293.2, NM_001387404.1); c.*110G>A (NM_001145796.2, NM_001145812.2, NM_001308294.2 and 1 more transcripts); c.*127G>A (NM_001145797.2); short protein forms E676K.
Identifiers: ClinVar variation 4999939 (VCV004999939.1).
Genomic context (GRCh38, chr16:28,873,575, plus strand): 5'-GGGGCAGAAGAGGCGTCGAGGGCGCCAGAAGTGGCGGCAGCAGCAGCCGCAGCAGCCAAA[G>A]AGAGGCAAGAGAAAGAGAAAGCGGGCGGTGGAGGGGTCCCGGAAGAGCTGGTCCCCGTGG-3'
Protein context (NP_001374359.1, residues 666-686): VAAAAAAAAK[Glu676Lys]RQEKEKAGGG

ClinVar aggregate classification (germline): Uncertain significance (1 of 4 stars; one submission).

Conditions:
SH2B1-related disorder. Also called: SH2B1-related condition.

gnomAD v4.1: 3 of 1,586,754 alleles (0.00019%); highest among the groups gnomAD compares: South Asian, 0.0011%; no homozygotes.

Submission:

PreventionGenetics, part of Exact Sciences
Classification: Uncertain significance for SH2B1-related condition. Last evaluated: 2024-12-27. Review status: criteria provided, single submitter. Criteria: ACMG Guidelines, 2015. Collection method: clinical testing. Allele origin: germline.
Comment: The SH2B1 c.2026G>A variant is predicted to result in the amino acid substitution p.Glu676Lys. To our knowledge, this variant has not been reported in the literature. This variant is reported in 0.0038% of alleles in individuals of South Asian descent in gnomAD. At this time, the clinical significance of this variant is uncertain due to the absence of conclusive functional and genetic evidence.